The following is an entry in ClinVar:

ClinVar aggregate classification (germline): Uncertain significance. Review status: criteria provided, multiple submitters, no conflicts (2 of 4 stars). 3 submissions from 3 submitters: Uncertain significance (3). Last evaluated 2025-09-25.

Conditions:
Inborn genetic diseases. Identifiers: MedGen C0950123, MeSH D030342.
Hypersulfaturia (HYSULF). Identifiers: MedGen C5830511, MONDO:0957268, OMIM 620372.
Nephrolithiasis susceptibility caused by SLC26A1 (CAON1). Also called: NEPHROLITHIASIS, CALCIUM OXALATE, 1. Identifiers: MedGen C5779632, MONDO:0020722, OMIM 167030.

Allele frequency attached by ClinVar (database versions not stated): gnomAD exomes 0.00006; gnomAD 0.00009; TOPMed 0.00009; ExAC 0.00010.
gnomAD v4.1: 114 of 1,601,256 alleles (0.0071%); highest among the groups gnomAD compares: Admixed American, 0.019%; no homozygotes.

Submissions (3):

Ambry Genetics
Classification: Uncertain significance for Inborn genetic diseases. Last evaluated: 2025-09-25. Review status: criteria provided, single submitter. Criteria: Ambry Variant Classification Scheme 2023. Collection method: clinical testing. Allele origin: germline.

Fulgent Genetics
Classification: Uncertain significance for Nephrolithiasis susceptibility caused by SLC26A1; Hypersulfaturia. Last evaluated: 2024-06-19. Review status: criteria provided, single submitter. Criteria: ACMG Guidelines, 2015. Collection method: clinical testing. Allele origin: germline.

Labcorp Genetics (formerly Invitae), Labcorp
Classification: Uncertain significance. Last evaluated: 2022-09-01. Review status: criteria provided, single submitter. Criteria: Invitae Variant Classification Sherloc (09022015). Collection method: clinical testing. Allele origin: germline.
Comment: In summary, the available evidence is currently insufficient to determine the role of this variant in disease. Therefore, it has been classified as a Variant of Uncertain Significance. Algorithms developed to predict the effect of missense changes on protein structure and function (SIFT, PolyPhen-2, Align-GVGD) all suggest that this variant is likely to be disruptive. This variant has not been reported in the literature in individuals affected with SLC26A1-related conditions. The frequency data for this variant in the population databases is considered unreliable, as metrics indicate poor data quality at this position in the gnomAD database. This sequence change replaces leucine, which is neutral and non-polar, with histidine, which is basic and polar, at codon 198 of the SLC26A1 protein (p.Leu198His).

NM_022042.4(SLC26A1):c.593T>A (p.Leu198His)

Genes: IDUA (alpha-L-iduronidase; plus strand), SLC26A1 (solute carrier family 26 member 1; minus strand). Cytogenetic location: 4p16.3.
Variant type: single nucleotide variant.
Coding change: c.593T>A on transcript NM_022042.4 (MANE Select); coding-DNA position 593, T replaced by A.
Protein change: p.Leu198His; replaces leucine 198 with histidine.
Molecular consequence: missense variant. On other transcripts: intron variant (2).
Genome position (GRCh38, 1-based): chr4:990,346, A>T on the plus strand (T>A on the coding strand, the complement: SLC26A1 is on the minus strand). VCF-style: chr4-990346-A-T. GRCh37 (hg19) VCF-style: chr4-984134-A-T.
Other names: c.593T>A, p.Leu198His (NM_213613.4); c.576+782T>A (NM_134425.4); c.299+2397A>T (NM_000203.5); short protein forms L198H.
Identifiers: ClinVar variation 2191463 (VCV002191463.8), dbSNP rs777403763, ClinGen allele CA2801599.